The following is an entry in ClinVar:

ClinVar aggregate classification (germline): Likely benign (0 of 4 stars; one submission).

Conditions:
PTPRM-related disorder. Also called: PTPRM-related condition.

Allele frequency attached by ClinVar (database versions not stated): ExAC 0.00006; gnomAD 0.00007; TOPMed 0.00009.
gnomAD v4.1: 77 of 1,584,926 alleles (0.0049%); highest among the groups gnomAD compares: Middle Eastern, 0.017%; no homozygotes.

Submission:

PreventionGenetics, part of Exact Sciences
Classification: Likely benign for PTPRM-related condition. Last evaluated: 2019-07-30. Review status: no assertion criteria provided. Collection method: clinical testing. Allele origin: germline.
Comment: This variant is classified as likely benign based on ACMG/AMP sequence variant interpretation guidelines (Richards et al. 2015 PMID: 25741868, with internal and published modifications).

NM_001105244.2(PTPRM):c.839-7C>G

Gene: PTPRM (protein tyrosine phosphatase receptor type M; plus strand). Cytogenetic location: 18p11.23.
Variant type: single nucleotide variant.
Coding change: c.839-7C>G on transcript NM_001105244.2 (MANE Select); 7 bases into the intron before coding-DNA position 839, C replaced by G.
Molecular consequence: intron variant.
Genome position (GRCh38, 1-based): chr18:7,955,114, C>G. VCF-style: chr18-7955114-C-G. GRCh37 (hg19) VCF-style: chr18-7955112-C-G.
Other names: c.839-7C>G (NM_002845.4); c.200-7C>G (NM_001378147.1, NM_001378145.1, NM_001378144.1 and 3 more transcripts).
Identifiers: ClinVar variation 3035694 (VCV003035694.2), dbSNP rs202017391, ClinGen allele CA8883996.